The following is an entry in ClinVar:

ClinVar aggregate classification (germline): Likely benign. Review status: criteria provided, multiple submitters, no conflicts (2 of 4 stars). 2 submissions from 2 submitters: Likely benign (2). Last evaluated 2025-03-24.

Conditions:
Juvenile polyposis syndrome (JPS). Identifiers: Orphanet 2929, MedGen C0345893, MONDO:0017380, OMIM 174900.
Juvenile polyposis/hereditary hemorrhagic telangiectasia syndrome (JPHT). Also called: JP/HHT SYNDROME; JUVENILE POLYPOSIS WITH HEREDITARY HEMORRHAGIC TELANGIECTASIA; POLYPOSIS, GENERALIZED JUVENILE, WITH PULMONARY ARTERIOVENOUS MALFORMATION; TELANGIECTASIA, HEREDITARY HEMORRHAGIC, WITH JUVENILE POLYPOSIS COLI; Juvenile Polyposis Syndrome / Hereditary Hemorrhagic Telangiectasia (JPS/HHT). Identifiers: Orphanet 2929, MedGen C1832942, MONDO:0008278, OMIM 175050.

Submissions (2):

Myriad Genetics, Inc.
Classification: Likely benign for Juvenile polyposis/hereditary hemorrhagic telangiectasia syndrome. Last evaluated: 2025-03-24. Review status: criteria provided, single submitter. Criteria: Myriad Autosomal Dominant, Autosomal Recessive and X-Linked Classification Criteria (2023). Collection method: clinical testing. Allele origin: unknown.
Comment: This variant is considered likely benign. This variant is intronic and is not expected to impact mRNA splicing.

Labcorp Genetics (formerly Invitae), Labcorp
Classification: Likely benign for Juvenile polyposis syndrome. Last evaluated: 2020-09-11. Review status: criteria provided, single submitter. Criteria: Invitae Variant Classification Sherloc (09022015). Collection method: clinical testing. Allele origin: germline.

NM_005359.6(SMAD4):c.1447+10C>G

Gene: SMAD4 (SMAD family member 4; plus strand). Cytogenetic location: 18q21.2.
Variant type: single nucleotide variant.
Coding change: c.1447+10C>G on transcript NM_005359.6 (MANE Select); 10 bases into the intron after coding-DNA position 1447, C replaced by G.
Molecular consequence: intron variant.
Genome position (GRCh38, 1-based): chr18:51,076,786, C>G. VCF-style: chr18-51076786-C-G. GRCh37 (hg19) VCF-style: chr18-48603156-C-G.
Identifiers: ClinVar variation 1090737 (VCV001090737.10), dbSNP rs2144474920, ClinGen allele CA402465413.